The following is an entry in ClinVar:

NM_025207.5(FLAD1):c.245T>C (p.Leu82Pro)

Gene: FLAD1 (flavin adenine dinucleotide synthetase 1; plus strand). Cytogenetic location: 1q21.3.
Variant type: single nucleotide variant.
Coding change: c.245T>C on transcript NM_025207.5 (MANE Select); coding-DNA position 245, T replaced by C.
Protein change: p.Leu82Pro; replaces leucine 82 with proline.
Molecular consequence: missense variant. On other transcripts: 5 prime UTR variant (3).
Genome position (GRCh38, 1-based): chr1:154,983,939, T>C. VCF-style: chr1-154983939-T-C. GRCh37 (hg19) VCF-style: chr1-154956415-T-C.
Other names: c.-47T>C (NM_001184891.2, NM_201398.3); c.-692T>C (NM_001184892.2); short protein forms L82P.
Identifiers: ClinVar variation 3730935 (VCV003730935.2).
Genomic context (GRCh38, chr1:154,983,939, plus strand): 5'-GCCCCCAGTGCCCTGTAGACCTGGCAGGCCCCCCGTGCTTGCGACCCCTATTTGGGGGTC[T>C]GGGTGGCTACTGGAGGGCCTTGCAGAGGGGCAGAGAAGGCAGGACCATGACATCTAGGGC-3'
Protein context (NP_079483.3, residues 72-92): PPCLRPLFGG[Leu82Pro]GGYWRALQRG

ClinVar aggregate classification (germline): Uncertain significance. Review status: criteria provided, multiple submitters, no conflicts (2 of 4 stars). 2 submissions from 2 submitters: Uncertain significance (2). Last evaluated 2025-10-07.

Conditions:
Inborn genetic diseases. Identifiers: MedGen C0950123, MeSH D030342.

Submissions (2):

Ambry Genetics
Classification: Uncertain significance for Inborn genetic diseases. Last evaluated: 2025-10-07. Review status: criteria provided, single submitter. Criteria: Ambry Variant Classification Scheme 2023. Collection method: clinical testing. Allele origin: germline.

GeneDx
Classification: Uncertain significance. Last evaluated: 2024-08-12. Review status: criteria provided, single submitter. Criteria: GeneDx Variant Classification Process June 2021. Collection method: clinical testing. Allele origin: germline. Affected: yes.
Comment: In silico analysis indicates that this missense variant does not alter protein structure/function; Has not been previously published as pathogenic or benign to our knowledge